The following is an entry in ClinVar:

NM_012470.4(TNPO3):c.2583G>A (p.Met861Ile)

Gene: TNPO3 (transportin 3; minus strand). Cytogenetic location: 7q32.1.
Variant type: single nucleotide variant.
Coding change: c.2583G>A on transcript NM_012470.4 (MANE Select); coding-DNA position 2583, G replaced by A.
Protein change: p.Met861Ile; replaces methionine 861 with isoleucine.
Molecular consequence: missense variant. On other transcripts: non-coding transcript variant (18).
Genome position (GRCh38, 1-based): chr7:128,970,163, C>T on the plus strand (G>A on the coding strand, the complement: TNPO3 is on the minus strand). VCF-style: chr7-128970163-C-T. GRCh37 (hg19) VCF-style: chr7-128610217-C-T.
Other names: c.2391G>A, p.Met797Ile (NM_001191028.3, NM_001382223.1); c.2685G>A, p.Met895Ile (NM_001382216.1); c.2664G>A, p.Met888Ile (NM_001382217.1); c.2583G>A, p.Met861Ile (NM_001382218.1); c.2475G>A, p.Met825Ile (NM_001382219.1); c.2442G>A, p.Met814Ile (NM_001382220.1); c.2439G>A, p.Met813Ile (NM_001382221.1); c.2436G>A, p.Met812Ile (NM_001382222.1); short protein forms M797I, M812I, M813I, M814I, M825I, M861I, M888I, M895I.
Identifiers: ClinVar variation 2631271 (VCV002631271.1), dbSNP rs2535921694, ClinGen allele CA369251846.

ClinVar aggregate classification (germline): Uncertain significance (1 of 4 stars; one submission).

Conditions:
TNPO3-related disorder. Also called: TNPO3-related condition.

Submission:

PreventionGenetics, part of Exact Sciences
Classification: Uncertain significance for TNPO3-related condition. Last evaluated: 2023-07-28. Review status: criteria provided, single submitter. Criteria: ACMG Guidelines, 2015. Collection method: clinical testing. Allele origin: germline.
Comment: The TNPO3 c.2583G>A variant is predicted to result in the amino acid substitution p.Met861Ile. To our knowledge, this variant has not been reported in the literature or in a large population database, indicating this variant is rare. At this time, the clinical significance of this variant is uncertain due to the absence of conclusive functional and genetic evidence.